The following is an entry in ClinVar:

ClinVar aggregate classification (germline): Likely benign. Review status: criteria provided, multiple submitters, no conflicts (2 of 4 stars). 4 submissions from 4 submitters: Likely benign (4). Last evaluated 2026-01-15.

Conditions:
Myofibrillar myopathy 5. Also called: Filaminopathy (type); FILAMINOPATHY, AUTOSOMAL DOMINANT. Identifiers: Orphanet 171445, MedGen C1836050, MONDO:0012289, OMIM 609524.
Distal myopathy with posterior leg and anterior hand involvement. Also called: WILLIAMS DISTAL MYOPATHY. Identifiers: Orphanet 63273, MedGen C3279722, MONDO:0013550, OMIM 614065.
Hypertrophic cardiomyopathy 26. Also called: Cardiomyopathy, familial hypertrophic, 26. Identifiers: Orphanet 75249, MedGen C4310749, MONDO:0014883, OMIM 617047.
Cardiovascular phenotype. Identifiers: MedGen CN230736.

Allele frequency attached by ClinVar (database versions not stated): TOPMed 0.00001; gnomAD exomes 0.00004 and 0.00010; ExAC 0.00023.
gnomAD v4.1: 47 of 1,525,058 alleles (0.0031%); highest among the groups gnomAD compares: South Asian, 0.043%; no homozygotes.

Submissions (4):

Labcorp Genetics (formerly Invitae), Labcorp
Classification: Likely benign for Distal myopathy with posterior leg and anterior hand involvement; Myofibrillar myopathy 5; Hypertrophic cardiomyopathy 26. Last evaluated: 2026-01-15. Review status: criteria provided, single submitter. Criteria: Invitae Variant Classification Sherloc (09022015). Collection method: clinical testing. Allele origin: germline.

Blueprint Genetics
Classification: Likely benign. Last evaluated: 2024-03-09. Review status: criteria provided, single submitter. Criteria: ACMG Guidelines, 2015. Collection method: clinical testing. Allele origin: germline.

Ambry Genetics
Classification: Likely benign for Cardiovascular phenotype. Last evaluated: 2023-05-26. Review status: criteria provided, single submitter. Criteria: Ambry Variant Classification Scheme 2023. Collection method: clinical testing. Allele origin: germline.

CeGaT Center for Human Genetics Tuebingen
Classification: Likely benign. Last evaluated: 2022-10-01. Review status: criteria provided, single submitter. Criteria: CeGaT Center For Human Genetics Tuebingen Variant Classification Criteria Version 2. Collection method: clinical testing. Allele origin: germline. Affected: yes. Observed: 1 variant allele.
Comment: FLNC: BP4, BP7

NM_001458.5(FLNC):c.7785G>A (p.Pro2595=)

Genes: FLNC (filamin C; plus strand), FLNC-AS1 (FLNC antisense RNA 1; minus strand). Cytogenetic location: 7q32.1.
Variant type: single nucleotide variant.
Coding change: c.7785G>A on transcript NM_001458.5 (MANE Select); coding-DNA position 7785, G replaced by A.
Protein change: p.Pro2595=; no amino-acid change (proline 2595 retained).
Molecular consequence: synonymous variant.
Genome position (GRCh38, 1-based): chr7:128,858,012, G>A. VCF-style: chr7-128858012-G-A. GRCh37 (hg19) VCF-style: chr7-128498066-G-A.
Other names: c.7686G>A, p.Pro2562= (NM_001127487.2).
Identifiers: ClinVar variation 539517 (VCV000539517.34), dbSNP rs780670412, ClinGen allele CA4476366.